The following is an entry in ClinVar:

NM_001042492.3(NF1):c.695C>G (p.Thr232Arg)

Gene: NF1 (neurofibromin 1; plus strand). Cytogenetic location: 17q11.2.
Variant type: single nucleotide variant.
Coding change: c.695C>G on transcript NM_001042492.3 (MANE Select); coding-DNA position 695, C replaced by G.
Protein change: p.Thr232Arg; replaces threonine 232 with arginine.
Molecular consequence: missense variant.
Genome position (GRCh38, 1-based): chr17:31,181,750, C>G. VCF-style: chr17-31181750-C-G. GRCh37 (hg19) VCF-style: chr17-29508768-C-G.
Other names: c.695C>G, p.Thr232Arg (NM_000267.4, NM_001128147.3); short protein forms T232R.
Identifiers: ClinVar variation 1392326 (VCV001392326.6), dbSNP rs769719064, ClinGen allele CA398989999.

ClinVar aggregate classification (germline): Uncertain significance (1 of 4 stars; one submission).

Conditions:
Neurofibromatosis, type 1 (NF1). Also called: VON RECKLINGHAUSEN DISEASE; Neurofibromatosis, type I; NEUROFIBROMATOSIS, TYPE I, SOMATIC; Peripheral type neurofibromatosis. Identifiers: Orphanet 636, MedGen C0027831, MONDO:0018975, OMIM 162200. Disease mechanism: loss of function.

Submission:

Labcorp Genetics (formerly Invitae), Labcorp
Classification: Uncertain significance for Neurofibromatosis, type 1. Last evaluated: 2023-06-09. Review status: criteria provided, single submitter. Criteria: Invitae Variant Classification Sherloc (09022015). Collection method: clinical testing. Allele origin: germline.
Comment: ClinVar contains an entry for this variant (Variation ID: 1392326). In summary, the available evidence is currently insufficient to determine the role of this variant in disease. Therefore, it has been classified as a Variant of Uncertain Significance. Advanced modeling of protein sequence and biophysical properties (such as structural, functional, and spatial information, amino acid conservation, physicochemical variation, residue mobility, and thermodynamic stability) performed at Invitae indicates that this missense variant is expected to disrupt NF1 protein function. This variant has not been reported in the literature in individuals affected with NF1-related conditions. This variant is not present in population databases (gnomAD no frequency). This sequence change replaces threonine, which is neutral and polar, with arginine, which is basic and polar, at codon 232 of the NF1 protein (p.Thr232Arg).